The following is an entry in ClinVar:

NM_001330574.2(ZNF711):c.205G>C (p.Glu69Gln)

Gene: ZNF711 (zinc finger protein 711; plus strand). Cytogenetic location: Xq21.1.
Variant type: single nucleotide variant.
Coding change: c.205G>C on transcript NM_001330574.2 (MANE Select); coding-DNA position 205, G replaced by C.
Protein change: p.Glu69Gln; replaces glutamic acid 69 with glutamine.
Molecular consequence: missense variant.
Genome position (GRCh38, 1-based): chrX:85,255,384, G>C. VCF-style: chrX-85255384-G-C. GRCh37 (hg19) VCF-style: chrX-84510390-G-C.
Other names: c.205G>C, p.Glu69Gln (NM_001375431.1, NM_001375432.1, NM_001375433.1 and 5 more transcripts); short protein forms E69Q.
Identifiers: ClinVar variation 3898964 (VCV003898964.1).

ClinVar aggregate classification (germline): Uncertain significance (1 of 4 stars; one submission).

Submission:

GeneDx
Classification: Uncertain significance. Last evaluated: 2024-11-07. Review status: criteria provided, single submitter. Criteria: GeneDx Variant Classification Process June 2021. Collection method: clinical testing. Allele origin: germline. Affected: yes.
Comment: Not observed at significant frequency in large population cohorts (gnomAD); In silico analysis indicates that this missense variant does not alter protein structure/function; Has not been previously published as pathogenic or benign to our knowledge